The following is an entry in ClinVar:

NM_170606.3(KMT2C):c.817G>A (p.Val273Met)

Gene: KMT2C (lysine methyltransferase 2C; minus strand). Cytogenetic location: 7q36.1.
Variant type: single nucleotide variant.
Coding change: c.817G>A on transcript NM_170606.3 (MANE Select); coding-DNA position 817, G replaced by A.
Protein change: p.Val273Met; replaces valine 273 with methionine.
Molecular consequence: missense variant.
Genome position (GRCh38, 1-based): chr7:152,309,998, C>T on the plus strand (G>A on the coding strand, the complement: KMT2C is on the minus strand). VCF-style: chr7-152309998-C-T. GRCh37 (hg19) VCF-style: chr7-152007083-C-T.
Other names: short protein forms V273M.
Identifiers: ClinVar variation 2430085 (VCV002430085.26), dbSNP rs759674872, ClinGen allele CA4581627.

ClinVar aggregate classification (germline): Uncertain significance. Review status: criteria provided, multiple submitters, no conflicts (2 of 4 stars). 2 submissions from 2 submitters: Uncertain significance (2). Last evaluated 2022-05-01.

Conditions:
Autism spectrum disorder. Also called: Autism spectrum disorders. Identifiers: MedGen C1510586, MeSH D000067877, MONDO:0005258.

Allele frequency attached by ClinVar (database versions not stated): gnomAD exomes below 0.00001; ExAC 0.00001.
gnomAD v4.1: 2 of 1,613,234 alleles (0.00012%); highest among the groups gnomAD compares: Non-Finnish European, 0.00017%; no homozygotes.

Submissions (2):

CeGaT Center for Human Genetics Tuebingen
Classification: Uncertain significance. Last evaluated: 2022-05-01. Review status: criteria provided, single submitter. Criteria: CeGaT Center For Human Genetics Tuebingen Variant Classification Criteria Version 2. Collection method: clinical testing. Allele origin: germline. Affected: yes. Observed: 1 variant allele.
Comment: KMT2C: PM2

Department of Genetics, Rouen University Hospital, Normandy Center for Genomic and Personalized Medicine
Classification: Uncertain significance for Autism spectrum disorder. Last evaluated: 2021-08-16. Review status: criteria provided, single submitter. Criteria: ACMG Guidelines, 2015. Collection method: clinical testing. Allele origin: maternal. Affected: yes.